The following is an entry in ClinVar:

NM_000090.4(COL3A1):c.1742C>T (p.Pro581Leu)

Gene: COL3A1 (collagen type III alpha 1 chain; plus strand). Cytogenetic location: 2q32.2.
Variant type: single nucleotide variant.
Coding change: c.1742C>T on transcript NM_000090.4 (MANE Select); coding-DNA position 1742, C replaced by T.
Protein change: p.Pro581Leu; replaces proline 581 with leucine.
Molecular consequence: missense variant.
Genome position (GRCh38, 1-based): chr2:188,996,477, C>T. VCF-style: chr2-188996477-C-T. GRCh37 (hg19) VCF-style: chr2-189861203-C-T.
Other names: short protein forms P581L.
Identifiers: ClinVar variation 3907858 (VCV003907858.1).
Genomic context (GRCh38, chr2:188,996,477, plus strand): 5'-GTCGACCAGGTCCTCCTGGGCCATCTGGTCCCCGAGGTCAGCCTGGTGTCATGGGCTTCC[C>T]CGGTCCTAAAGGAAATGATGTGAGTTCCTTCATTAATTTCTTCAATAAATATTTGACTGG-3'
Protein context (NP_000081.2, residues 571-591): PRGQPGVMGF[Pro581Leu]GPKGNDGAPG

ClinVar aggregate classification (germline): Uncertain significance (1 of 4 stars; one submission).

Submission:

GeneDx
Classification: Uncertain significance. Last evaluated: 2024-12-26. Review status: criteria provided, single submitter. Criteria: GeneDx Variant Classification Process June 2021. Collection method: clinical testing. Allele origin: germline. Affected: yes.
Comment: Not observed at significant frequency in large population cohorts (gnomAD); In silico analysis supports that this missense variant has a deleterious effect on protein structure/function; Has not been previously published as pathogenic or benign to our knowledge; Occurs in the triple helical domain at the Y position in the canonical Gly-X-Y repeat; although this variant may have an effect on normal protein folding and function, missense substitution at the Y position is not a common mechanism of disease (HGMD)